The following is an entry in ClinVar:

NM_017696.3(MCM9):c.2448A>C (p.Glu816Asp)

Gene: MCM9 (minichromosome maintenance 9 homologous recombination repair factor; minus strand). Cytogenetic location: 6q22.31.
Variant type: single nucleotide variant.
Coding change: c.2448A>C on transcript NM_017696.3 (MANE Select); coding-DNA position 2448, A replaced by C.
Protein change: p.Glu816Asp; replaces glutamic acid 816 with aspartic acid.
Molecular consequence: missense variant. On other transcripts: 3 prime UTR variant (4), non-coding transcript variant (1).
Genome position (GRCh38, 1-based): chr6:118,815,808, T>G on the plus strand (A>C on the coding strand, the complement: MCM9 is on the minus strand). VCF-style: chr6-118815808-T-G. GRCh37 (hg19) VCF-style: chr6-119136971-T-G.
Other names: c.2448A>C, p.Glu816Asp (NM_001378356.1, NM_001378357.1); c.*355A>C (NM_001378359.1, NM_001378360.1, NM_001378366.1 and 1 more transcripts); c.2244A>C, p.Glu748Asp (NM_001378364.1); short protein forms E816D, E748D.
Identifiers: ClinVar variation 709231 (VCV000709231.6), dbSNP rs116048760, ClinGen allele CA3978302.

ClinVar aggregate classification (germline): Benign. Review status: criteria provided, single submitter (1 of 4 stars). 2 submissions from 2 submitters: Benign (1). 1 of the submissions does not count toward it. Last evaluated 2019-12-31.

Conditions:
MCM9-related disorder. Also called: MCM9-related condition.

Allele frequency attached by ClinVar (database versions not stated): gnomAD exomes 0.00075 and 0.00191; gnomAD 0.00161 and 0.00183; TOPMed 0.00173; 1000 Genomes Project 0.00319; 1000 Genomes Project 30x 0.00359; ExAC 0.00450.
gnomAD v4.1: 1,338 of 1,539,176 alleles (0.087%); highest among the groups gnomAD compares: South Asian, 1%; 13 homozygotes.

Submissions (2):

Labcorp Genetics (formerly Invitae), Labcorp
Classification: Benign. Last evaluated: 2019-12-31. Review status: criteria provided, single submitter. Criteria: Invitae Variant Classification Sherloc (09022015). Collection method: clinical testing. Allele origin: germline.

PreventionGenetics, part of Exact Sciences
Classification: Likely benign for MCM9-related condition. Last evaluated: 2020-07-17. Review status: no assertion criteria provided. Collection method: clinical testing. Allele origin: germline. Not counted in ClinVar's aggregate classification.
Comment: This variant is classified as likely benign based on ACMG/AMP sequence variant interpretation guidelines (Richards et al. 2015 PMID: 25741868, with internal and published modifications).